The following is an entry in ClinVar:

NM_005477.3(HCN4):c.2989C>A (p.Pro997Thr)

Gene: HCN4 (hyperpolarization activated cyclic nucleotide gated potassium channel 4; minus strand). Cytogenetic location: 15q24.1.
Variant type: single nucleotide variant.
Coding change: c.2989C>A on transcript NM_005477.3 (MANE Select); coding-DNA position 2989, C replaced by A.
Protein change: p.Pro997Thr; replaces proline 997 with threonine.
Molecular consequence: missense variant.
Genome position (GRCh38, 1-based): chr15:73,323,104, G>T on the plus strand (C>A on the coding strand, the complement: HCN4 is on the minus strand). VCF-style: chr15-73323104-G-T. GRCh37 (hg19) VCF-style: chr15-73615445-G-T.
Other names: short protein forms P997T.
Identifiers: ClinVar variation 1798480 (VCV001798480.6), dbSNP rs767626058, ClinGen allele CA7648911.

ClinVar aggregate classification (germline): Uncertain significance. Review status: criteria provided, multiple submitters, no conflicts (2 of 4 stars). 2 submissions from 2 submitters: Uncertain significance (2). Last evaluated 2022-10-15.

Conditions:
Cardiovascular phenotype. Identifiers: MedGen CN230736.
Brugada syndrome 8 (BRGDA8). Identifiers: Orphanet 130, MedGen C2751083, MONDO:0013148, OMIM 613123.

Allele frequency attached by ClinVar (database versions not stated): ExAC 0.00002.
gnomAD v4.1: 5 of 1,591,560 alleles (0.00031%); highest among the groups gnomAD compares: Non-Finnish European, 0.00043%; no homozygotes.

Submissions (2):

Labcorp Genetics (formerly Invitae), Labcorp
Classification: Uncertain significance for Brugada syndrome 8. Last evaluated: 2022-10-15. Review status: criteria provided, single submitter. Criteria: Invitae Variant Classification Sherloc (09022015). Collection method: clinical testing. Allele origin: germline.
Comment: This sequence change replaces proline, which is neutral and non-polar, with threonine, which is neutral and polar, at codon 997 of the HCN4 protein (p.Pro997Thr). The frequency data for this variant in the population databases is considered unreliable, as metrics indicate poor data quality at this position in the gnomAD database. This variant has not been reported in the literature in individuals affected with HCN4-related conditions. Advanced modeling of protein sequence and biophysical properties (such as structural, functional, and spatial information, amino acid conservation, physicochemical variation, residue mobility, and thermodynamic stability) performed at Invitae indicates that this missense variant is not expected to disrupt HCN4 protein function. In summary, the available evidence is currently insufficient to determine the role of this variant in disease. Therefore, it has been classified as a Variant of Uncertain Significance.

Ambry Genetics
Classification: Uncertain significance for Cardiovascular phenotype. Last evaluated: 2021-02-10. Review status: criteria provided, single submitter. Criteria: Ambry Variant Classification Scheme 2023. Collection method: clinical testing. Allele origin: germline.
Comment: The p.P997T variant (also known as c.2989C>A), located in coding exon 8 of the HCN4 gene, results from a C to A substitution at nucleotide position 2989. The proline at codon 997 is replaced by threonine, an amino acid with highly similar properties. This amino acid position is not well conserved in available vertebrate species. In addition, this alteration is predicted to be tolerated by in silico analysis. Since supporting evidence is limited at this time, the clinical significance of this alteration remains unclear.